The following is an entry in ClinVar:

NM_017617.5(NOTCH1):c.6889A>G (p.Thr2297Ala)

Gene: NOTCH1 (notch receptor 1; minus strand). Cytogenetic location: 9q34.3.
Variant type: single nucleotide variant.
Coding change: c.6889A>G on transcript NM_017617.5 (MANE Select); coding-DNA position 6889, A replaced by G.
Protein change: p.Thr2297Ala; replaces threonine 2297 with alanine.
Molecular consequence: missense variant.
Genome position (GRCh38, 1-based): chr9:136,496,850, T>C on the plus strand (A>G on the coding strand, the complement: NOTCH1 is on the minus strand). VCF-style: chr9-136496850-T-C. GRCh37 (hg19) VCF-style: chr9-139391302-T-C.
Other names: c.6889A>G (NM_017617.4); short protein forms T2297A.
Identifiers: ClinVar variation 1504762 (VCV001504762.9), dbSNP rs748988550, ClinGen allele CA5339794.

ClinVar aggregate classification (germline): Conflicting classifications of pathogenicity. Review status: criteria provided, conflicting classifications (1 of 4 stars). 2 submissions from 2 submitters: Uncertain significance (1); Likely benign (1). Last evaluated 2026-07-07.

Conditions:
NOTCH1-related disorder. Also called: NOTCH1-related disorders; NOTCH1-related condition.
Adams-Oliver syndrome 5 (AOS5). Identifiers: Orphanet 974, MedGen C4014970, MONDO:0014459, OMIM 616028.

Allele frequency attached by ClinVar (database versions not stated): gnomAD exomes below 0.00001 and 0.00001; ExAC 0.00001.
gnomAD v4.1: 4 of 1,612,810 alleles (0.00025%); highest among the groups gnomAD compares: Non-Finnish European, 0.00034%; no homozygotes.

Submissions (2):

PreventionGenetics, part of Exact Sciences
Classification: Uncertain significance for NOTCH1-related condition. Last evaluated: 2026-07-07. Review status: criteria provided, single submitter. Criteria: ACMG Guidelines, 2015. Collection method: clinical testing. Allele origin: germline.
Comment: The NOTCH1 c.6889A>G variant is predicted to result in the amino acid substitution p.Thr2297Ala. This variant has been reported in an individual with hypoplastic right heart and pulmonary stenosis (Extended Data Set 4, Sierant et al. 2025. PubMed ID: 40127276). This variant is reported in 0.0018% of alleles in individuals of European (Non-Finnish) descent in gnomAD. At this time, the clinical significance of this variant is uncertain due to the absence of conclusive functional and genetic evidence.

Labcorp Genetics (formerly Invitae), Labcorp
Classification: Likely benign for Adams-Oliver syndrome 5. Last evaluated: 2024-09-27. Review status: criteria provided, single submitter. Criteria: Invitae Variant Classification Sherloc (09022015). Collection method: clinical testing. Allele origin: germline.